The following is an entry in ClinVar:

NM_001430.5(EPAS1):c.737G>T (p.Ser246Ile)

Genes: EPAS1 (endothelial PAS domain protein 1; plus strand), LOC126806210 (BRD4-independent group 4 enhancer GRCh37_chr2:46587586-46588785; plus strand). Cytogenetic location: 2p21.
Variant type: single nucleotide variant.
Coding change: c.737G>T on transcript NM_001430.5 (MANE Select); coding-DNA position 737, G replaced by T.
Protein change: p.Ser246Ile; replaces serine 246 with isoleucine.
Molecular consequence: missense variant.
Genome position (GRCh38, 1-based): chr2:46,361,048, G>T. VCF-style: chr2-46361048-G-T. GRCh37 (hg19) VCF-style: chr2-46588187-G-T.
Other names: short protein forms S246I.
Identifiers: ClinVar variation 3221673 (VCV003221673.1), dbSNP rs2103637267, ClinGen allele CA346700320.

ClinVar aggregate classification (germline): Uncertain significance (1 of 4 stars; one submission).

Conditions:
Inborn genetic diseases. Identifiers: MedGen C0950123, MeSH D030342.

Submission:

Ambry Genetics
Classification: Uncertain significance for Inborn genetic diseases. Last evaluated: 2024-02-24. Review status: criteria provided, single submitter. Criteria: Ambry Variant Classification Scheme 2023. Collection method: clinical testing. Allele origin: germline.
Comment: The p.S246I variant (also known as c.737G>T), located in coding exon 6 of the EPAS1 gene, results from a G to T substitution at nucleotide position 737. The serine at codon 246 is replaced by isoleucine, an amino acid with dissimilar properties. This amino acid position is conserved. In addition, this alteration is predicted to be deleterious by in silico analysis. Based on the available evidence, the clinical significance of this alteration remains unclear.